The following is an entry in ClinVar:

NM_003742.4(ABCB11):c.807T>C (p.Tyr269=)

Gene: ABCB11 (ATP binding cassette subfamily B member 11; minus strand). Cytogenetic location: 2q31.1.
Variant type: single nucleotide variant.
Coding change: c.807T>C on transcript NM_003742.4 (MANE Select); coding-DNA position 807, T replaced by C.
Protein change: p.Tyr269=; no amino-acid change (tyrosine 269 retained).
Molecular consequence: synonymous variant.
Genome position (GRCh38, 1-based): chr2:168,990,902, A>G on the plus strand (T>C on the coding strand, the complement: ABCB11 is on the minus strand). VCF-style: chr2-168990902-A-G. GRCh37 (hg19) VCF-style: chr2-169847412-A-G.
Other names: p.Tyr269=; c.807T>C, p.Tyr269= (LRG_1199t1).
Identifiers: ClinVar variation 259157 (VCV000259157.18), dbSNP rs2287616, ClinGen allele CA1951788.
Genomic context (GRCh38, chr2:168,990,902, plus strand): 5'-TCTCATTGATGAAATGACTTCATCAGCCACCACCCCTGCTTTGGCATAGGCCTTCAGCTC[A>G]TAGTCCGTAAACTTGGACACACTCTAAAAATCAAAAAGAAGAAAAGAAAATGTGAAGTCC-3'
Protein context (NP_003733.2, residues 259-279): IGLSVSKFTD[Tyr269=]ELKAYAKAGV

ClinVar aggregate classification (germline): Benign. Review status: criteria provided, multiple submitters, no conflicts (2 of 4 stars). 8 submissions from 8 submitters: Benign (7). 1 of the submissions does not count toward it. Last evaluated 2026-04-14.

Conditions:
Familial intrahepatic cholestasis. Identifiers: Orphanet 284385, MedGen CN296401, MONDO:0017290.
Progressive familial intrahepatic cholestasis type 2. Identifiers: Orphanet 79304, MedGen C3489789, MONDO:0011156, OMIM 601847.

Allele frequency attached by ClinVar (database versions not stated): ESP Exome Variant Server 0.00175; gnomAD exomes 0.01118 and 0.03266; gnomAD 0.01137 and 0.01522; TOPMed 0.01986; ExAC 0.03064; 1000 Genomes Project 30x 0.05809; 1000 Genomes Project 0.06470.
gnomAD v4.1: 19,415 of 1,613,022 alleles (1.2%); highest among the groups gnomAD compares: East Asian, 28%; 2,081 homozygotes.

Submissions (8):

Genomenon, Inc
Classification: Benign for Familial intrahepatic cholestasis. Last evaluated: 2026-04-14. Review status: criteria provided, single submitter. Criteria: Genomenon Sequence Variant Interpretation Standards - Updated. Collection method: curation. Allele origin: germline. Affected: no.
Comment: ABCB11 c.807T>C is a synonymous variant that retains Tyrosine at residue 269. This variant is present at high allele frequency in population databases. In conclusion, we classify ABCB11 p.Tyr269= (c.807T>C) as a benign variant.

Labcorp Genetics (formerly Invitae), Labcorp
Classification: Benign. Last evaluated: 2026-02-04. Review status: criteria provided, single submitter. Criteria: Invitae Variant Classification Sherloc (09022015). Collection method: clinical testing. Allele origin: germline.

Mayo Clinic Laboratories, Mayo Clinic
Classification: Benign. Last evaluated: 2022-03-10. Review status: criteria provided, single submitter. Criteria: ACMG Guidelines, 2015. Collection method: clinical testing. Allele origin: germline. Observed: 36 variant alleles.

Illumina Laboratory Services, Illumina
Classification: Benign for Progressive familial intrahepatic cholestasis type 2. Last evaluated: 2018-01-12. Review status: criteria provided, single submitter. Criteria: ICSL Variant Classification Criteria 13 December 2019. Collection method: clinical testing. Allele origin: germline.
Comment: This variant was observed in the ICSL laboratory as part of a predisposition screen in an ostensibly healthy population. It had not been previously curated by ICSL or reported in the Human Gene Mutation Database (HGMD: prior to June 1st, 2018), and was therefore a candidate for classification through an automated scoring system. Utilizing variant allele frequency, disease prevalence and penetrance estimates, and inheritance mode, an automated score was calculated to assess if this variant is too frequent to cause the disease. Based on the score and internal cut-off values, a variant classified as benign is not then subjected to further curation. The score for this variant resulted in a classification of benign for this disease.

GeneDx
Classification: Benign. Last evaluated: 2016-03-29. Review status: criteria provided, single submitter. Criteria: GeneDx Variant Classification (06012015). Collection method: clinical testing. Allele origin: germline. Affected: yes.
Comment: This variant is considered likely benign or benign based on one or more of the following criteria: it is a conservative change, it occurs at a poorly conserved position in the protein, it is predicted to be benign by multiple in silico algorithms, and/or has population frequency not consistent with disease.

Breakthrough Genomics
Classification: Benign. Review status: criteria provided, single submitter. Criteria: ACMG Guidelines, 2015. Collection method: not provided. Allele origin: germline. Inheritance: Autosomal recessive inheritance. Affected: yes.

PreventionGenetics, part of Exact Sciences
Classification: Benign. Review status: criteria provided, single submitter. Criteria: ACMG Guidelines, 2015. Collection method: clinical testing. Allele origin: germline.

Natera, Inc.
Classification: Benign for Progressive familial intrahepatic cholestasis type 2. Last evaluated: 2020-09-16. Review status: no assertion criteria provided. Collection method: clinical testing. Allele origin: germline. Not counted in ClinVar's aggregate classification.